The following is an entry in ClinVar:

NM_005120.3(MED12):c.27C>T (p.Tyr9=)

Gene: MED12 (mediator complex subunit 12; plus strand). Cytogenetic location: Xq13.1.
Variant type: single nucleotide variant.
Coding change: c.27C>T on transcript NM_005120.3 (MANE Select); coding-DNA position 27, C replaced by T.
Protein change: p.Tyr9=; no amino-acid change (tyrosine 9 retained).
Molecular consequence: synonymous variant.
Genome position (GRCh38, 1-based): chrX:71,118,781, C>T. VCF-style: chrX-71118781-C-T. GRCh37 (hg19) VCF-style: chrX-70338631-C-T.
Identifiers: ClinVar variation 383831 (VCV000383831.13), dbSNP rs376743527, ClinGen allele CA10443975.

ClinVar aggregate classification (germline): Likely benign. Review status: criteria provided, multiple submitters, no conflicts (2 of 4 stars). 4 submissions from 4 submitters: Likely benign (4). Last evaluated 2026-04-22.

Conditions:
FG syndrome (FGS). Identifiers: MedGen C0220769, MONDO:0002010.
Familial thoracic aortic aneurysm and aortic dissection (TAAD). Also called: Thoracic aortic aneurysms and dissections. Identifiers: Orphanet 91387, MedGen C4707243, MONDO:0019625.

Allele frequency attached by ClinVar (database versions not stated): gnomAD exomes 0.00002 and 0.00006; ExAC 0.00003; gnomAD 0.00007 and 0.00008; ESP Exome Variant Server 0.00011; TOPMed 0.00013.
gnomAD v4.1: 29 of 1,206,244 alleles (0.0024%); highest among the groups gnomAD compares: African/African-American, 0.036%; no homozygotes.

Submissions (4):

Women's Health and Genetics/Laboratory Corporation of America, LabCorp
Classification: Likely benign. Last evaluated: 2026-04-22. Review status: criteria provided, single submitter. Criteria: LabCorp Variant Classification Summary - May 2015. Collection method: clinical testing. Allele origin: germline.

Labcorp Genetics (formerly Invitae), Labcorp
Classification: Likely benign for FG syndrome. Last evaluated: 2026-01-14. Review status: criteria provided, single submitter. Criteria: Invitae Variant Classification Sherloc (09022015). Collection method: clinical testing. Allele origin: germline.

Ambry Genetics
Classification: Likely benign for Familial thoracic aortic aneurysm and aortic dissection. Last evaluated: 2022-02-16. Review status: criteria provided, single submitter. Criteria: Ambry Variant Classification Scheme 2023. Collection method: clinical testing. Allele origin: germline.

GeneDx
Classification: Likely benign. Last evaluated: 2016-02-23. Review status: criteria provided, single submitter. Criteria: GeneDx Variant Classification (06012015). Collection method: clinical testing. Allele origin: germline. Affected: yes.
Comment: This variant is considered likely benign or benign based on one or more of the following criteria: it is a conservative change, it occurs at a poorly conserved position in the protein, it is predicted to be benign by multiple in silico algorithms, and/or has population frequency not consistent with disease.